The following is an entry in ClinVar:

ClinVar aggregate classification (germline): Uncertain significance (1 of 4 stars; one submission).

Conditions:
Perry syndrome. Also called: PARKINSONISM WITH ALVEOLAR HYPOVENTILATION AND MENTAL DEPRESSION. Identifiers: Orphanet 178509, MedGen C1868594, MONDO:0008201, OMIM 168605.
Amyotrophic lateral sclerosis type 1 (ALS1). Also called: AMYOTROPHIC LATERAL SCLEROSIS 1, FAMILIAL. Identifiers: Orphanet 803, MedGen C1862939, MONDO:0007103, OMIM 105400.
Neuronopathy, distal hereditary motor, type 7B. Also called: Distal Hereditary Motor Neuronopathy Type 7B (dHMN7B); NEURONOPATHY, DISTAL HEREDITARY MOTOR, AUTOSOMAL DOMINANT 14; NEURONOPATHY, DISTAL HEREDITARY MOTOR, HARDING TYPE VIIB; NEUROPATHY, DISTAL HEREDITARY MOTOR, HARDING TYPE VIIB; NEUROPATHY, DISTAL HEREDITARY MOTOR, WITH VOCAL CORD PARALYSIS, HARDING TYPE VIIB; HMN VIIB. Identifiers: Orphanet 139589, MedGen C1843315, MONDO:0011879, OMIM 607641.

Allele frequency attached by ClinVar (database versions not stated): ExAC 0.00001.

Submission:

Labcorp Genetics (formerly Invitae), Labcorp
Classification: Uncertain significance for Amyotrophic lateral sclerosis type 1; Neuronopathy, distal hereditary motor, type 7B; Perry syndrome. Last evaluated: 2022-05-10. Review status: criteria provided, single submitter. Criteria: Invitae Variant Classification Sherloc (09022015). Collection method: clinical testing. Allele origin: germline.
Comment: In summary, the available evidence is currently insufficient to determine the role of this variant in disease. Therefore, it has been classified as a Variant of Uncertain Significance. Algorithms developed to predict the effect of missense changes on protein structure and function (SIFT, PolyPhen-2, Align-GVGD) all suggest that this variant is likely to be tolerated. This variant has not been reported in the literature in individuals affected with DCTN1-related conditions. This variant is present in population databases (rs760879395, gnomAD 0.0009%). This sequence change replaces valine, which is neutral and non-polar, with leucine, which is neutral and non-polar, at codon 1087 of the DCTN1 protein (p.Val1087Leu).

NM_004082.5(DCTN1):c.3259G>C (p.Val1087Leu)

Gene: DCTN1 (dynactin subunit 1; minus strand). Cytogenetic location: 2p13.1.
Variant type: single nucleotide variant.
Coding change: c.3259G>C on transcript NM_004082.5 (MANE Select); coding-DNA position 3259, G replaced by C.
Protein change: p.Val1087Leu; replaces valine 1087 with leucine.
Molecular consequence: missense variant. On other transcripts: non-coding transcript variant (1).
Genome position (GRCh38, 1-based): chr2:74,363,380, C>G on the plus strand (G>C on the coding strand, the complement: DCTN1 is on the minus strand). VCF-style: chr2-74363380-C-G. GRCh37 (hg19) VCF-style: chr2-74590507-C-G.
Other names: c.3184G>C, p.Val1062Leu (NM_001135040.3); c.2842G>C, p.Val948Leu (NM_001135041.3); c.3133G>C, p.Val1045Leu (NM_001190836.2); c.3238G>C, p.Val1080Leu (NM_001190837.2); c.3208G>C, p.Val1070Leu (NM_001378991.1); c.3190G>C, p.Val1064Leu (NM_001378992.1); c.2857G>C, p.Val953Leu (NM_023019.4); short protein forms V1045L, V1062L, V1064L, V1070L, V1080L, V1087L, V953L, V948L.
Identifiers: ClinVar variation 1910690 (VCV001910690.5), dbSNP rs760879395, ClinGen allele CA1721537.